The following is an entry in ClinVar:

ClinVar aggregate classification (germline): Uncertain significance (1 of 4 stars; one submission).

Submission:

Labcorp Genetics (formerly Invitae), Labcorp
Classification: Uncertain significance. Last evaluated: 2025-09-10. Review status: criteria provided, single submitter. Criteria: Invitae Variant Classification Sherloc (09022015). Collection method: clinical testing. Allele origin: germline.
Comment: This sequence change replaces proline, which is neutral and non-polar, with threonine, which is neutral and polar, at codon 596 of the COL9A2 protein (p.Pro596Thr). This variant is not present in population databases (gnomAD no frequency). This variant has not been reported in the literature in individuals affected with COL9A2-related conditions. Invitae Evidence Modeling of protein sequence and biophysical properties (such as structural, functional, and spatial information, amino acid conservation, physicochemical variation, residue mobility, and thermodynamic stability) indicates that this missense variant is not expected to disrupt COL9A2 protein function with a negative predictive value of 95%. In summary, the available evidence is currently insufficient to determine the role of this variant in disease. Therefore, it has been classified as a Variant of Uncertain Significance.

NM_001852.4(COL9A2):c.1786C>A (p.Pro596Thr)

Gene: COL9A2 (collagen type IX alpha 2 chain; minus strand). Cytogenetic location: 1p34.2.
Variant type: single nucleotide variant.
Coding change: c.1786C>A on transcript NM_001852.4 (MANE Select); coding-DNA position 1786, C replaced by A.
Protein change: p.Pro596Thr; replaces proline 596 with threonine.
Molecular consequence: missense variant.
Genome position (GRCh38, 1-based): chr1:40,302,627, G>T on the plus strand (C>A on the coding strand, the complement: COL9A2 is on the minus strand). VCF-style: chr1-40302627-G-T. GRCh37 (hg19) VCF-style: chr1-40768299-G-T.
Other names: short protein forms P596T.
Identifiers: ClinVar variation 4772078 (VCV004772078.1).
Genomic context (GRCh38, chr1:40,302,627, plus strand): 5'-CCTGGACAAATCCTCACTGCCTGGCCCCCATGCCCACCGCAGAGGAGCACTCACCCTTGG[G>T]CCCCGTGTTGCCGATCTGACCCACGGCTCCCACGATGCCAGGAACGCCCCGAGGGCCAGG-3'
Protein context (NP_001843.1, residues 586-606): GAVGQIGNTG[Pro596Thr]KGKRGEKGDP